The following is an entry in ClinVar:

NM_001029860.4(FBXO43):c.1709G>A (p.Arg570Gln)

Gene: FBXO43 (F-box protein 43; minus strand). Cytogenetic location: 8q22.2.
Variant type: single nucleotide variant.
Coding change: c.1709G>A on transcript NM_001029860.4 (MANE Select); coding-DNA position 1709, G replaced by A.
Protein change: p.Arg570Gln; replaces arginine 570 with glutamine.
Molecular consequence: missense variant. On other transcripts: non-coding transcript variant (1).
Genome position (GRCh38, 1-based): chr8:100,134,330, C>T on the plus strand (G>A on the coding strand, the complement: FBXO43 is on the minus strand). VCF-style: chr8-100134330-C-T. GRCh37 (hg19) VCF-style: chr8-101146558-C-T.
Other names: short protein forms R570Q.
Identifiers: ClinVar variation 3250702 (VCV003250702.18), dbSNP rs77680502.

ClinVar aggregate classification (germline): Benign (1 of 4 stars; one submission).

Allele frequency attached by ClinVar (database versions not stated): gnomAD exomes 0.00032; ExAC 0.00081; 1000 Genomes Project 0.00200; 1000 Genomes Project 30x 0.00265; gnomAD 0.00298; ESP Exome Variant Server 0.00323; TOPMed 0.00340.
gnomAD v4.1: 920 of 1,613,712 alleles (0.057%); highest among the groups gnomAD compares: African/African-American, 1.1%; 8 homozygotes.

Submission:

CeGaT Center for Human Genetics Tuebingen
Classification: Benign. Last evaluated: 2024-06-01. Review status: criteria provided, single submitter. Criteria: CeGaT Center For Human Genetics Tuebingen Variant Classification Criteria Version 2. Collection method: clinical testing. Allele origin: germline. Affected: yes. Observed: 1 variant allele.
Comment: FBXO43: BP4, BS1, BS2